The following is an entry in ClinVar:

NM_174916.3(UBR1):c.1295T>C (p.Ile432Thr)

Gene: UBR1 (ubiquitin protein ligase E3 component n-recognin 1; minus strand). Cytogenetic location: 15q15.2.
Variant type: single nucleotide variant.
Coding change: c.1295T>C on transcript NM_174916.3 (MANE Select); coding-DNA position 1295, T replaced by C.
Protein change: p.Ile432Thr; replaces isoleucine 432 with threonine.
Molecular consequence: missense variant.
Genome position (GRCh38, 1-based): chr15:43,054,886, A>G on the plus strand (T>C on the coding strand, the complement: UBR1 is on the minus strand). VCF-style: chr15-43054886-A-G. GRCh37 (hg19) VCF-style: chr15-43347084-A-G.
Other names: short protein forms I432T.
Identifiers: ClinVar variation 373120 (VCV000373120.2), dbSNP rs1057518231, ClinGen allele CA16042870.

ClinVar aggregate classification (germline): Uncertain significance. Review status: criteria provided, multiple submitters, no conflicts (2 of 4 stars). 2 submissions from 2 submitters: Uncertain significance (2). Last evaluated 2022-08-26.

Allele frequency attached by ClinVar (database versions not stated): TOPMed 0.00001.
gnomAD v4.1: 19 of 1,614,134 alleles (0.0012%); highest among the groups gnomAD compares: Middle Eastern, 0.17%; no homozygotes.

Submissions (2):

Women's Health and Genetics/Laboratory Corporation of America, LabCorp
Classification: Uncertain significance. Last evaluated: 2022-08-26. Review status: criteria provided, single submitter. Criteria: LabCorp Variant Classification Summary - May 2015. Collection method: clinical testing. Allele origin: germline.
Comment: Variant summary: UBR1 c.1295T>C (p.Ile432Thr) results in a non-conservative amino acid change in the encoded protein sequence. Four of five in-silico tools predict a damaging effect of the variant on protein function. The variant was absent in 251358 control chromosomes (gnomAD). The available data on variant occurrences in the general population are insufficient to allow any conclusion about variant significance. To our knowledge, no occurrence of c.1295T>C in individuals affected with Johanson-Blizzard Syndrome and no experimental evidence demonstrating its impact on protein function have been reported. One clinical diagnostic laboratory has submitted clinical-significance assessments for this variant to ClinVar after 2014 and classified the variant as uncertain significance. Based on the evidence outlined above, the variant was classified as uncertain significance.

GeneDx
Classification: Uncertain significance. Last evaluated: 2016-11-22. Review status: criteria provided, single submitter. Criteria: GeneDx Variant Classification (06012015). Collection method: clinical testing. Allele origin: germline. Affected: yes.
Comment: The I432T variant in the UBR1 gene has not been reported previously as a pathogenic variant, nor as a benign variant, to our knowledge. The I432T variant was not observed in approximately 6500 individuals of European and African American ancestry in the NHLBI Exome Sequencing Project, indicating it is not a common benign variant in these populations. The I432T variant is a non-conservative amino acid substitution, which is likely to impact secondary protein structure as these residues differ in polarity, charge, size and/or other properties. This substitution occurs at a position that is conserved across species, and in silico analysis predicts this variant is probably damaging to the protein structure/function. We interpret I432T as a variant of uncertain significance.